The following is an entry in ClinVar:

NM_021625.5(TRPV4):c.1341C>T (p.His447=)

Gene: TRPV4 (transient receptor potential cation channel subfamily V member 4; minus strand). Cytogenetic location: 12q24.11.
Variant type: single nucleotide variant.
Coding change: c.1341C>T on transcript NM_021625.5 (MANE Select); coding-DNA position 1341, C replaced by T.
Protein change: p.His447=; no amino-acid change (histidine 447 retained).
Molecular consequence: synonymous variant.
Genome position (GRCh38, 1-based): chr12:109,794,479, G>A on the plus strand (C>T on the coding strand, the complement: TRPV4 is on the minus strand). VCF-style: chr12-109794479-G-A. GRCh37 (hg19) VCF-style: chr12-110232284-G-A.
Other names: c.1200C>T, p.His400= (NM_001177428.2); c.1239C>T, p.His413= (NM_001177431.2); c.1020C>T, p.His340= (NM_001177433.2); c.1161C>T, p.His387= (NM_147204.3).
Identifiers: ClinVar variation 241380 (VCV000241380.25), dbSNP rs57316123, ClinGen allele CA6780263.

ClinVar aggregate classification (germline): Benign/Likely benign. Review status: criteria provided, multiple submitters, no conflicts (2 of 4 stars). 12 submissions from 7 submitters: Benign (11); Likely benign (1). Last evaluated 2026-01-27.

Conditions:
Scapuloperoneal spinal muscular atrophy (SPSMA). Also called: AMYOTROPHY, NEUROGENIC SCAPULOPERONEAL, NEW ENGLAND TYPE; Scapuloperoneal Form of Spinal Muscular Atrophy; Scapuloperoneal Spinal Muscular Atrophy, TRPV4-Related; Scapuloperoneal spinal muscular atrophy, autosomal dominant. Identifiers: Orphanet 431255, MedGen C0751335, MONDO:0008408, OMIM 181405.
Metatropic dysplasia (MTD). Also called: Metatropic Dysplasia, TRPV4-Related; METATROPIC DWARFISM; Metatropic dysplasia, nonlethal dominant. Identifiers: Orphanet 2635, MedGen C0265281, MONDO:0007986, OMIM 156530.
Brachyrachia (short spine dysplasia) (BCYM3). Also called: Brachyolmia, TRPV4-Related; BRACHYRACHIA; Brachyolmia Type 3; Autosomal dominant brachyolmia. Identifiers: Orphanet 93304, MedGen C0432227, MONDO:0007232, OMIM 113500.
Neuronopathy, distal hereditary motor, autosomal dominant 8. Also called: NEURONOPATHY, DISTAL HEREDITARY MOTOR, TYPE VIII; NEUROPATHY, DISTAL HEREDITARY MOTOR, TYPE VIII; SPINAL MUSCULAR ATROPHY, CONGENITAL BENIGN, WITH CONTRACTURES; Autosomal dominant congenital benign spinal muscular atrophy. Identifiers: Orphanet 1216, MedGen C1838492, MONDO:0010839, OMIM 600175.
Spondylometaphyseal dysplasia, Kozlowski type (SMDK). Also called: Dysmorphism arthrogryposis skeletal maturation advanced; Jequier-Kozlowski syndrome; Skeletal dysplasia Jequier-Kozlowski type; SMD Kozlowski type; Spondylometaphyseal Dysplasia, TRPV4-Related (Kozlowski Type). Identifiers: Orphanet 93314, MedGen C0265280, MONDO:0008477, OMIM 184252.
Charcot-Marie-Tooth disease axonal type 2C (HMSN2C). Also called: Charcot-Marie-Tooth Disease Type 2, TRPV4-Related (CMT2C); CHARCOT-MARIE-TOOTH DISEASE, AXONAL, AUTOSOMAL DOMINANT, TYPE 2C; Charcot-Marie-Tooth Neuropathy Type 2C. Identifiers: Orphanet 99937, MedGen C1853710, MONDO:0011633, OMIM 606071.
Inborn genetic diseases. Identifiers: MedGen C0950123, MeSH D030342.

Allele frequency attached by ClinVar (database versions not stated): TOPMed 0.00730; ESP Exome Variant Server 0.00830; gnomAD 0.00646 and 0.00683; 1000 Genomes Project 30x 0.00671; gnomAD exomes 0.00061 and 0.00167; ExAC 0.00213; 1000 Genomes Project 0.00599.
gnomAD v4.1: 1,921 of 1,613,832 alleles (0.12%); highest among the groups gnomAD compares: African/African-American, 2.2%; 12 homozygotes.

Submissions (12):

Labcorp Genetics (formerly Invitae), Labcorp
Classification: Benign for Charcot-Marie-Tooth disease axonal type 2C. Last evaluated: 2026-01-27. Review status: criteria provided, single submitter. Criteria: Invitae Variant Classification Sherloc (09022015). Collection method: clinical testing. Allele origin: germline.

ARUP Laboratories, Molecular Genetics and Genomics, ARUP Laboratories
Classification: Benign. Last evaluated: 2024-09-30. Review status: criteria provided, single submitter. Criteria: ARUP Molecular Germline Variant Investigation Process 2024. Collection method: clinical testing. Allele origin: germline.

Ambry Genetics
Classification: Likely benign for Inborn genetic diseases. Last evaluated: 2019-07-11. Review status: criteria provided, single submitter. Criteria: Ambry Variant Classification Scheme 2023. Collection method: clinical testing. Allele origin: germline.

Illumina Laboratory Services, Illumina
Classification: Benign for Spondylometaphyseal dysplasia, Kozlowski type. Last evaluated: 2018-01-12. Review status: criteria provided, single submitter. Criteria: ICSL Variant Classification Criteria 13 December 2019. Collection method: clinical testing. Allele origin: germline.
Comment: This variant was observed in the ICSL laboratory as part of a predisposition screen in an ostensibly healthy population. It had not been previously curated by ICSL or reported in the Human Gene Mutation Database (HGMD: prior to June 1st, 2018), and was therefore a candidate for classification through an automated scoring system. Utilizing variant allele frequency, disease prevalence and penetrance estimates, and inheritance mode, an automated score was calculated to assess if this variant is too frequent to cause the disease. Based on the score and internal cut-off values, a variant classified as benign is not then subjected to further curation. The score for this variant resulted in a classification of benign for this disease.

Illumina Laboratory Services, Illumina
Classification: Benign for Charcot-Marie-Tooth disease axonal type 2C. Last evaluated: 2018-01-12. Review status: criteria provided, single submitter. Criteria: ICSL Variant Classification Criteria 13 December 2019. Collection method: clinical testing. Allele origin: germline.
Comment: the same text as in the submission from Illumina Laboratory Services, Illumina above.

Illumina Laboratory Services, Illumina
Classification: Benign for Metatropic dysplasia. Last evaluated: 2018-01-12. Review status: criteria provided, single submitter. Criteria: ICSL Variant Classification Criteria 13 December 2019. Collection method: clinical testing. Allele origin: germline.
Comment: the same text as in the submission from Illumina Laboratory Services, Illumina above.

Illumina Laboratory Services, Illumina
Classification: Benign for Brachyrachia (short spine dysplasia). Last evaluated: 2018-01-12. Review status: criteria provided, single submitter. Criteria: ICSL Variant Classification Criteria 13 December 2019. Collection method: clinical testing. Allele origin: germline.
Comment: the same text as in the submission from Illumina Laboratory Services, Illumina above.

Illumina Laboratory Services, Illumina
Classification: Benign for Neuronopathy, distal hereditary motor, autosomal dominant 8. Last evaluated: 2018-01-12. Review status: criteria provided, single submitter. Criteria: ICSL Variant Classification Criteria 13 December 2019. Collection method: clinical testing. Allele origin: germline.
Comment: the same text as in the submission from Illumina Laboratory Services, Illumina above.

Illumina Laboratory Services, Illumina
Classification: Benign for Scapuloperoneal spinal muscular atrophy. Last evaluated: 2018-01-12. Review status: criteria provided, single submitter. Criteria: ICSL Variant Classification Criteria 13 December 2019. Collection method: clinical testing. Allele origin: germline.
Comment: the same text as in the submission from Illumina Laboratory Services, Illumina above.

Athena Diagnostics
Classification: Benign. Last evaluated: 2017-12-13. Review status: criteria provided, single submitter. Criteria: Athena Diagnostics Criteria. Collection method: clinical testing. Allele origin: germline.

GeneDx
Classification: Benign. Last evaluated: 2016-01-14. Review status: criteria provided, single submitter. Criteria: GeneDx Variant Classification (06012015). Collection method: clinical testing. Allele origin: germline. Affected: yes.
Comment: This variant is considered likely benign or benign based on one or more of the following criteria: it is a conservative change, it occurs at a poorly conserved position in the protein, it is predicted to be benign by multiple in silico algorithms, and/or has population frequency not consistent with disease.

PreventionGenetics, part of Exact Sciences
Classification: Benign. Review status: criteria provided, single submitter. Criteria: ACMG Guidelines, 2015. Collection method: clinical testing. Allele origin: germline.